The following is an entry in ClinVar:

ClinVar aggregate classification (germline): Uncertain significance (1 of 4 stars; one submission).

Submission:

GeneDx
Classification: Uncertain significance. Last evaluated: 2025-06-24. Review status: criteria provided, single submitter. Criteria: GeneDx Variant Classification Process June 2021. Collection method: clinical testing. Allele origin: germline. Affected: yes.
Comment: Not observed at significant frequency in large population cohorts (gnomAD); In silico analysis supports that this missense variant has a deleterious effect on protein structure/function; Has not been previously published as pathogenic or benign to our knowledge

NM_004817.4(TJP2):c.2456A>C (p.Gln819Pro)

Gene: TJP2 (tight junction protein 2; plus strand). Cytogenetic location: 9q21.11.
Variant type: single nucleotide variant.
Coding change: c.2456A>C on transcript NM_004817.4 (MANE Select); coding-DNA position 2456, A replaced by C.
Protein change: p.Gln819Pro; replaces glutamine 819 with proline.
Molecular consequence: missense variant.
Genome position (GRCh38, 1-based): chr9:69,240,037, A>C. VCF-style: chr9-69240037-A-C. GRCh37 (hg19) VCF-style: chr9-71854953-A-C.
Other names: c.2387A>C, p.Gln796Pro (NM_001170414.2, NM_001369871.1); c.2468A>C, p.Gln823Pro (NM_001170415.1, NM_001369874.1, NM_001369875.1); c.2549A>C, p.Gln850Pro (NM_001170416.2); c.2381A>C, p.Gln794Pro (NM_001369870.1); c.2456A>C, p.Gln819Pro (NM_001369872.1, NM_001369873.1, NM_201629.3); short protein forms Q794P, Q796P, Q819P, Q823P, Q850P.
Identifiers: ClinVar variation 4540393 (VCV004540393.1).
Genomic context (GRCh38, chr9:69,240,037, plus strand): 5'-ACCTGTTGAATTACACCCAGTGGTTCCCAATTGTGATTTTTTTCAACCCAGACTCCAGAC[A>C]AGGTGTCAAAACCATGAGACAAAGGTTAAATCCAACGTCCAACAAAAGTTCTCGAAAGTT-3'
Protein context (NP_004808.2, residues 809-829): IVIFFNPDSR[Gln819Pro]GVKTMRQRLN